The following is an entry in ClinVar:

NM_015374.3(SUN2):c.989C>T (p.Ala330Val)

Genes: GTPBP1 (GTP binding protein 1; plus strand), SUN2 (Sad1 and UNC84 domain containing 2; minus strand). Cytogenetic location: 22q13.1.
Variant type: single nucleotide variant.
Coding change: c.989C>T on transcript NM_015374.3 (MANE Select); coding-DNA position 989, C replaced by T.
Protein change: p.Ala330Val; replaces alanine 330 with valine.
Molecular consequence: missense variant.
Genome position (GRCh38, 1-based): chr22:38,742,380, G>A on the plus strand (C>T on the coding strand, the complement: SUN2 is on the minus strand). VCF-style: chr22-38742380-G-A. GRCh37 (hg19) VCF-style: chr22-39138385-G-A.
Other names: c.1052C>T, p.Ala351Val (NM_001199579.2); c.989C>T, p.Ala330Val (NM_001199580.2); short protein forms A330V, A351V.
Identifiers: ClinVar variation 461694 (VCV000461694.12), dbSNP rs564884199, ClinGen allele CA10235700.

ClinVar aggregate classification (germline): Uncertain significance (1 of 4 stars; one submission).

Conditions:
Emery-Dreifuss muscular dystrophy (EDMD). Also called: Scapuloperoneal syndrome, X-linked (formerly); Humeroperoneal neuromuscular disease, (formerly). Identifiers: Orphanet 261, MedGen C0410189, MONDO:0016830.

Allele frequency attached by ClinVar (database versions not stated): 1000 Genomes Project 30x 0.00016; 1000 Genomes Project 0.00020.
gnomAD v4.1: 26 of 1,613,252 alleles (0.0016%); highest among the groups gnomAD compares: East Asian, 0.0089%; no homozygotes.

Submission:

Labcorp Genetics (formerly Invitae), Labcorp
Classification: Uncertain significance for Emery-Dreifuss muscular dystrophy. Last evaluated: 2019-05-08. Review status: criteria provided, single submitter. Criteria: Invitae Variant Classification Sherloc (09022015). Collection method: clinical testing. Allele origin: germline.
Comment: This sequence change replaces alanine with valine at codon 330 of the SUN2 protein (p.Ala330Val). The alanine residue is weakly conserved and there is a small physicochemical difference between alanine and valine. This variant is present in population databases (rs564884199, ExAC 0.006%) but has not been reported in the literature in individuals with a SUN2-related disease. Algorithms developed to predict the effect of missense changes on protein structure and function output the following: (SIFT: "Tolerated"; PolyPhen-2: "Benign"; Align-GVGD: "Class C0"). The valine amino acid residue is found in multiple mammalian species, suggesting that this missense change does not adversely affect protein function. These predictions have not been confirmed by published functional studies. In summary, this variant is a rare missense change that is not predicted to affect protein function. There is no indication that it causes disease, but the available evidence is currently insufficient to prove that conclusively. Therefore, it has been classified as a Variant of Uncertain Significance.